The following is an entry in ClinVar:

NM_004174.4(SLC9A3):c.1495G>A (p.Gly499Arg)

Gene: SLC9A3 (solute carrier family 9 member A3). Cytogenetic location: 5p15.33.
Variant type: single nucleotide variant.
Coding change: c.1495G>A on transcript NM_004174.4 (MANE Select); coding-DNA position 1495, G replaced by A.
Protein change: p.Gly499Arg; replaces glycine 499 with arginine.
Molecular consequence: missense variant.
Genome position (GRCh38, 1-based): chr5:481,587, C>T on the plus strand (G>A on the coding strand, the complement: SLC9A3 is on the minus strand). VCF-style: chr5-481587-C-T. GRCh37 (hg19) VCF-style: chr5-481702-C-T.
Other names: c.1468G>A, p.Gly490Arg (NM_001284351.3); short protein forms G490R, G499R.
Identifiers: ClinVar variation 1484131 (VCV001484131.6), dbSNP rs544590423, ClinGen allele CA3175864.

ClinVar aggregate classification (germline): Uncertain significance (1 of 4 stars; one submission).

Allele frequency attached by ClinVar (database versions not stated): TOPMed below 0.00001; gnomAD 0.00001; gnomAD exomes 0.00001 and 0.00002; ExAC 0.00002; 1000 Genomes Project 30x 0.00016; 1000 Genomes Project 0.00020.
gnomAD v4.1: 8 of 1,613,956 alleles (0.0005%); highest among the groups gnomAD compares: Admixed American, 0.0033%; no homozygotes.

Submission:

Labcorp Genetics (formerly Invitae), Labcorp
Classification: Uncertain significance. Last evaluated: 2021-04-19. Review status: criteria provided, single submitter. Criteria: Invitae Variant Classification Sherloc (09022015). Collection method: clinical testing. Allele origin: germline.
Comment: In summary, the available evidence is currently insufficient to determine the role of this variant in disease. Therefore, it has been classified as a Variant of Uncertain Significance. Algorithms developed to predict the effect of missense changes on protein structure and function are either unavailable or do not agree on the potential impact of this missense change (SIFT: "Not Available"; PolyPhen-2: "Probably Damaging"; Align-GVGD: "Not Available"). This variant has not been reported in the literature in individuals with SLC9A3-related conditions. This variant is present in population databases (rs544590423, ExAC 0.02%). This sequence change replaces glycine with arginine at codon 499 of the SLC9A3 protein (p.Gly499Arg). The glycine residue is highly conserved and there is a moderate physicochemical difference between glycine and arginine.